The following is an entry in ClinVar:

NM_032043.3(BRIP1):c.2920dup (p.Leu974fs)

Gene: BRIP1 (BRCA1 interacting DNA helicase 1; minus strand). Cytogenetic location: 17q23.2.
Variant type: Duplication.
Coding change: c.2920dup on transcript NM_032043.3 (MANE Select); coding-DNA position 2920, one base duplicated (C; older notation c.2920dupC).
Protein change: p.Leu974fs; shifts the reading frame from leucine 974.
Molecular consequence: frameshift variant.
Genome position (GRCh38, 1-based): chr17:61,684,126, G duplicated on the plus strand (C on the coding strand, the reverse complement: BRIP1 is on the minus strand); the first of 2 consecutive G bases (chr17:61,684,126-61,684,127); duplicating either gives the same sequence. VCF-style (leftmost placement, unchanged base first): chr17-61684125-A-AG. GRCh37 (hg19) VCF-style: chr17-59761486-A-AG.
Other names: c.2920dupC (NM_032043.2); short protein forms L974fs.
Identifiers: ClinVar variation 2949081 (VCV002949081.4), dbSNP rs2544562546, ClinGen allele CA2740093840.

ClinVar aggregate classification (germline): Conflicting classifications of pathogenicity. Review status: criteria provided, conflicting classifications (1 of 4 stars). 2 submissions from 2 submitters: Likely pathogenic (1); Uncertain significance (1). Last evaluated 2025-07-28.

Conditions:
Hereditary cancer-predisposing syndrome. Also called: Hereditary neoplastic syndrome; Neoplastic Syndromes, Hereditary; Tumor predisposition; Hereditary Cancer Syndrome. Identifiers: Orphanet 140162, MedGen C0027672, MeSH D009386, MONDO:0015356.
Fanconi anemia complementation group J. Also called: BRIP1-Related Fanconi Anemia. Identifiers: Orphanet 84, MedGen C1836860, MONDO:0012187, OMIM 609054.
Familial cancer of breast. Also called: BREAST CANCER, FAMILIAL; Hereditary breast cancer; hereditary breast carcinoma. Identifiers: Orphanet 227535, MedGen C0346153, MONDO:0016419, OMIM 114480. Disease mechanism: loss of function.

Submissions (2):

Ambry Genetics
Classification: Uncertain significance for Hereditary cancer-predisposing syndrome. Last evaluated: 2025-07-28. Review status: criteria provided, single submitter. Criteria: Ambry Variant Classification Scheme 2023. Collection method: clinical testing. Allele origin: germline.
Comment: The c.2920dupC variant, located in coding exon 19 of the BRIP1 gene, results from a duplication of C at nucleotide position 2920, causing a translational frameshift with a predicted alternate stop codon (p.L974Pfs*28). This stop codon occurs at the 3' terminus of BRIP1, is not expected to trigger nonsense-mediated mRNA decay, and removes the last 248 amino acids of the protein. The exact functional impact of these removed amino acids is unknown at this time. While the C-terminal region of the BRIP1 protein has been shown by structural, biochemical, and mutational analysis to be relevant for some aspects of BRIP1 protein function (Gong Z et al. Mol. Cell, 2010 Feb;37:438-46; Leung CC et al. J. Biol. Chem. 2011 Feb; 286(6):4292-301; Xie J et al. PLoS Genet. 2012 Jul; 8(7):e1002786), functional studies have shown that truncations in the 3' terminus of BRIP1 display normal function in response to intra-strand cross-linking agents (Calvo JA et al. Mol Cancer Res, 2021 Jun;19:1015-1025). In addition, 3' truncations in BRIP1 occurring upstream of this variant have been detected in the homozygous or compound heterozygous state in individuals with no reported features of BRIP1-related Fanconi Anemia (FA-J) (Ambry internal data). Based on the available evidence, the clinical significance of this variant remains unclear.

Labcorp Genetics (formerly Invitae), Labcorp
Classification: Likely pathogenic for Familial cancer of breast; Fanconi anemia complementation group J. Last evaluated: 2023-06-23. Review status: criteria provided, single submitter. Criteria: Invitae Variant Classification Sherloc (09022015). Collection method: clinical testing. Allele origin: germline.
Comment: In summary, the currently available evidence indicates that the variant is pathogenic, but additional data are needed to prove that conclusively. Therefore, this variant has been classified as Likely Pathogenic. This variant disrupts the TopBP1-binding region of the BRIP1 protein, which plays a critical role in RPA chromatin loading and the activation of the replication checkpoint in response to DNA damage (PMID: 20159562, 21127055). While functional studies have not been performed to directly test the effect of this variant on BRIP1 protein function, this suggests that disruption of this region of the protein is causative of disease. This variant has not been reported in the literature in individuals affected with BRIP1-related conditions. This variant is not present in population databases (gnomAD no frequency). This sequence change creates a premature translational stop signal (p.Leu974Profs*28) in the BRIP1 gene. While this is not anticipated to result in nonsense mediated decay, it is expected to disrupt the last 276 amino acid(s) of the BRIP1 protein.

Literature cited by the submitters: PubMed 20159562 (cited by Labcorp Genetics (formerly Invitae), Labcorp); PubMed 21127055 (cited by Labcorp Genetics (formerly Invitae), Labcorp).